The following is an entry in ClinVar:

ClinVar aggregate classification (germline): Conflicting classifications of pathogenicity. Review status: criteria provided, conflicting classifications (1 of 4 stars). 4 submissions from 4 submitters: Uncertain significance (1); Likely benign (3). Last evaluated 2026-04-01.

Conditions:
Primary ciliary dyskinesia. Also called: Ciliary dyskinesia. Identifiers: Orphanet 244, MedGen C0008780, MONDO:0016575, HP:0012265.

Allele frequency attached by ClinVar (database versions not stated): 1000 Genomes Project 0.00140; 1000 Genomes Project 30x 0.00156; TOPMed 0.00158; gnomAD 0.00179 and 0.00193; ESP Exome Variant Server 0.00192.
gnomAD v4.1: 3,615 of 1,612,806 alleles (0.22%); highest among the groups gnomAD compares: Middle Eastern, 0.7%; 6 homozygotes.

Submissions (4):

Department of Human Genetics, Hannover Medical School
Classification: Uncertain significance for Primary Ciliary Dyskinesia. Last evaluated: 2026-04-01. Review status: criteria provided, single submitter. Criteria: ACMG Guidelines, 2015. Collection method: research. Allele origin: germline. Affected: no.
Comment: Classification performed by HerediClassify using the following criteria:['PM2_supporting: Variant occures does not occur as homozygous in gnomAD.', 'PP3_protein_supporting: Variant is predicted to be pathogenic by REVEL with evidence strength supporting.', "PP4_moderate: The modified PICADAR socre of 4.0 exceeds threshold of 3 achieving 'moderate' evidence strength."]

CeGaT Center for Human Genetics Tuebingen
Classification: Likely benign. Last evaluated: 2024-03-01. Review status: criteria provided, single submitter. Criteria: CeGaT Center For Human Genetics Tuebingen Variant Classification Criteria Version 2. Collection method: clinical testing. Allele origin: germline. Affected: yes. Observed: 1 variant allele.
Comment: KIF19: BS2

Labcorp Genetics (formerly Invitae), Labcorp
Classification: Likely benign. Last evaluated: 2018-03-05. Review status: criteria provided, single submitter. Criteria: Invitae Variant Classification Sherloc (09022015). Collection method: clinical testing. Allele origin: germline.

Breakthrough Genomics
Classification: Likely benign. Review status: criteria provided, single submitter. Criteria: ACMG Guidelines, 2015. Collection method: not provided. Allele origin: germline. Inheritance: Unknown mechanism. Affected: yes.

NM_153209.4(KIF19):c.664G>A (p.Ala222Thr)

Gene: KIF19 (kinesin family member 19; plus strand). Cytogenetic location: 17q25.1.
Variant type: single nucleotide variant.
Coding change: c.664G>A on transcript NM_153209.4 (MANE Select); coding-DNA position 664, G replaced by A.
Protein change: p.Ala222Thr; replaces alanine 222 with threonine.
Molecular consequence: missense variant.
Genome position (GRCh38, 1-based): chr17:74,344,842, G>A. VCF-style: chr17-74344842-G-A. GRCh37 (hg19) VCF-style: chr17-72340981-G-A.
Other names: short protein forms A222T.
Identifiers: ClinVar variation 711078 (VCV000711078.26), dbSNP rs34016821, ClinGen allele CA8746218.
Genomic context (GRCh38, chr17:74,344,842, plus strand): 5'-GGGAACCGGCAGAGGACCCAGGAGCCCACGGCCGCCAACCAGACGTCCTCCCGCTCCCAC[G>A]CGGTACTGCAGGTGACCGTGCGCCAGCGCAGCCGGGTCAAGAACATCTTGCAGGAGGTGC-3'
Protein context (NP_694941.2, residues 212-232): AANQTSSRSH[Ala222Thr]VLQVTVRQRS